The following is an entry in ClinVar:

NM_015272.5(RPGRIP1L):c.2396G>T (p.Cys799Phe)

Gene: RPGRIP1L (RPGRIP1 like; minus strand). Cytogenetic location: 16q12.2.
Variant type: single nucleotide variant.
Coding change: c.2396G>T on transcript NM_015272.5 (MANE Select); coding-DNA position 2396, G replaced by T.
Protein change: p.Cys799Phe; replaces cysteine 799 with phenylalanine.
Molecular consequence: missense variant.
Genome position (GRCh38, 1-based): chr16:53,645,912, C>A on the plus strand (G>T on the coding strand, the complement: RPGRIP1L is on the minus strand). VCF-style: chr16-53645912-C-A. GRCh37 (hg19) VCF-style: chr16-53679824-C-A.
Other names: c.2396G>T, p.Cys799Phe (NM_001127897.4, NM_001308334.3, NM_001330538.2); short protein forms C799F.
Identifiers: ClinVar variation 3349984 (VCV003349984.2).

ClinVar aggregate classification (germline): Uncertain significance. Review status: criteria provided, single submitter (1 of 4 stars). 2 submissions from 2 submitters: Uncertain significance (1). 1 of the submissions does not count toward it. Last evaluated 2024-02-07.

Conditions:
Joubert syndrome 7 (JBTS7). Identifiers: Orphanet 220497, MedGen C1969053, MONDO:0012694, OMIM 611560.
Meckel syndrome, type 5 (MKS5). Identifiers: Orphanet 564, MedGen C1969052, MONDO:0012695, OMIM 611561.
COACH syndrome 3. Identifiers: MedGen C5436841, MONDO:0030862, OMIM 619113.
RPGRIP1L-related disorder. Also called: RPGRIP1L-related condition; RPGRIP1L-related disorders. Identifiers: MedGen CN239416.

gnomAD v4.1: 1 of 1,614,056 alleles (0.000062%); highest among the groups gnomAD compares: Non-Finnish European, 0.000085%; no homozygotes.

Submissions (2):

Fulgent Genetics
Classification: Uncertain significance for Joubert syndrome 7; Meckel syndrome, type 5; COACH syndrome 3. Last evaluated: 2024-02-07. Review status: criteria provided, single submitter. Criteria: ACMG Guidelines, 2015. Collection method: clinical testing. Allele origin: germline.

PreventionGenetics, part of Exact Sciences
Classification: Uncertain significance for RPGRIP1L-related condition. Last evaluated: 2024-02-21. Review status: no assertion criteria provided. Collection method: clinical testing. Allele origin: germline. Not counted in ClinVar's aggregate classification.
Comment: The RPGRIP1L c.2396G>T variant is predicted to result in the amino acid substitution p.Cys799Phe. To our knowledge, this variant has not been reported in the literature or in a large population database, indicating this variant is rare. At this time, the clinical significance of this variant is uncertain due to the absence of conclusive functional and genetic evidence.